The following is an entry in ClinVar:

ClinVar aggregate classification (germline): Uncertain significance. Review status: criteria provided, multiple submitters, no conflicts (2 of 4 stars). 2 submissions from 2 submitters: Uncertain significance (2). Last evaluated 2024-12-15.

Allele frequency attached by ClinVar (database versions not stated): gnomAD exomes 0.00001.
gnomAD v4.1: 18 of 1,613,060 alleles (0.0011%); highest among the groups gnomAD compares: Non-Finnish European, 0.0015%; no homozygotes.

Submissions (2):

Labcorp Genetics (formerly Invitae), Labcorp
Classification: Uncertain significance. Last evaluated: 2024-12-15. Review status: criteria provided, single submitter. Criteria: Invitae Variant Classification Sherloc (09022015). Collection method: clinical testing. Allele origin: germline.
Comment: This sequence change replaces tyrosine, which is neutral and polar, with cysteine, which is neutral and slightly polar, at codon 417 of the RECQL protein (p.Tyr417Cys). This variant is present in population databases (no rsID available, gnomAD 0.0009%). This variant has not been reported in the literature in individuals affected with RECQL-related conditions. ClinVar contains an entry for this variant (Variation ID: 1760575). Invitae Evidence Modeling of protein sequence and biophysical properties (such as structural, functional, and spatial information, amino acid conservation, physicochemical variation, residue mobility, and thermodynamic stability) has been performed for this missense variant. However, the output from this modeling did not meet the statistical confidence thresholds required to predict the impact of this variant on RECQL protein function. In summary, the available evidence is currently insufficient to determine the role of this variant in disease. Therefore, it has been classified as a Variant of Uncertain Significance.

Ambry Genetics
Classification: Uncertain significance. Last evaluated: 2024-02-13. Review status: criteria provided, single submitter. Criteria: Ambry Variant Classification Scheme 2023. Collection method: clinical testing. Allele origin: germline.
Comment: The p.Y417C variant (also known as c.1250A>G), located in coding exon 10 of the RECQL gene, results from an A to G substitution at nucleotide position 1250. The tyrosine at codon 417 is replaced by cysteine, an amino acid with highly dissimilar properties. This amino acid position is conserved. In addition, this alteration is predicted to be deleterious by in silico analysis. Since supporting evidence is limited at this time, the clinical significance of this alteration remains unclear.

NM_002907.4(RECQL):c.1250A>G (p.Tyr417Cys)

Gene: RECQL (RecQ like helicase; minus strand). Cytogenetic location: 12p12.1.
Variant type: single nucleotide variant.
Coding change: c.1250A>G on transcript NM_002907.4 (MANE Select); coding-DNA position 1250, A replaced by G.
Protein change: p.Tyr417Cys; replaces tyrosine 417 with cysteine.
Molecular consequence: missense variant.
Genome position (GRCh38, 1-based): chr12:21,474,946, T>C on the plus strand (A>G on the coding strand, the complement: RECQL is on the minus strand). VCF-style: chr12-21474946-T-C. GRCh37 (hg19) VCF-style: chr12-21627880-T-C.
Other names: c.1250A>G, p.Tyr417Cys (NM_032941.3); short protein forms Y417C.
Identifiers: ClinVar variation 1760575 (VCV001760575.8), dbSNP rs1235733547, ClinGen allele CA384118810.